The following is an entry in ClinVar:

ClinVar aggregate classification (germline): Uncertain significance (1 of 4 stars; one submission).

Conditions:
Hereditary cancer-predisposing syndrome. Also called: Tumor predisposition; Hereditary Cancer Syndrome; Neoplastic Syndromes, Hereditary; Hereditary neoplastic syndrome. Identifiers: Orphanet 140162, MedGen C0027672, MeSH D009386, MONDO:0015356.

Submission:

Ambry Genetics
Classification: Uncertain significance for Hereditary cancer-predisposing syndrome. Last evaluated: 2025-04-23. Review status: criteria provided, single submitter. Criteria: Ambry Variant Classification Scheme 2023. Collection method: clinical testing. Allele origin: germline.
Comment: The c.2859delC variant, located in coding exon 18 of the BRIP1 gene, results from a deletion of one nucleotide at nucleotide position 2859, causing a translational frameshift with a predicted alternate stop codon (p.N955Ifs*30). This alteration occurs at the 3' terminus of the BRIP1 gene, is not expected to trigger nonsense-mediated mRNA decay, and only impacts the last 295 amino acids of the protein. The exact functional impact of these removed amino acids is unknown. While the C-terminal region of the BRIP1 protein has been shown by structural, biochemical, and mutational analysis to be relevant for some aspects of BRIP1 protein function (Gong Z et al. Mol. Cell, 2010 Feb;37:438-46; Leung CC et al. J. Biol. Chem. 2011 Feb; 286(6):4292-301; Xie J et al. PLoS Genet. 2012 Jul; 8(7):e1002786), functional studies have shown that truncations in the 3' terminus of BRIP1 display normal function in response to intra-strand cross-linking agents (Calvo JA et al. Mol Cancer Res, 2021 Jun;19:1015-1025). Based on the available evidence, the clinical significance of this variant remains unclear.

NM_032043.3(BRIP1):c.2859del (p.Asn955fs)

Gene: BRIP1 (BRCA1 interacting DNA helicase 1; minus strand). Cytogenetic location: 17q23.2.
Variant type: Deletion.
Coding change: c.2859del on transcript NM_032043.3 (MANE Select); coding-DNA position 2859, one base deleted (C; older notation c.2859delC).
Protein change: p.Asn955fs; shifts the reading frame from asparagine 955.
Molecular consequence: frameshift variant.
Genome position (GRCh38, 1-based): chr17:61,685,882, G deleted on the plus strand (C on the coding strand, the reverse complement: BRIP1 is on the minus strand); the first of 2 consecutive G bases (chr17:61,685,882-61,685,883); deleting either gives the same sequence. VCF-style (leftmost placement, unchanged base first): chr17-61685881-TG-T. GRCh37 (hg19) VCF-style: chr17-59763242-TG-T.
Other names: c.2859delC (NM_032043.2); short protein forms N955fs.
Identifiers: ClinVar variation 1796909 (VCV001796909.3), dbSNP rs2544570094, ClinGen allele CA2580094586.